The following is an entry in ClinVar:

ClinVar aggregate classification (germline): Likely benign. Review status: criteria provided, multiple submitters, no conflicts (2 of 4 stars). 3 submissions from 3 submitters: Likely benign (2). 1 of the submissions does not count toward it. Last evaluated 2026-01-06.

Conditions:
TTN-related disorder. Also called: TTN-related condition; TTN-related disease; TTN-related disorders.
Dilated cardiomyopathy 1G (CMD1G). Identifiers: Orphanet 154, MedGen C1858763, MONDO:0011400, OMIM 604145.
Autosomal recessive limb-girdle muscular dystrophy type 2J (LGMDR10). Also called: MUSCULAR DYSTROPHY, LIMB-GIRDLE, AUTOSOMAL RECESSIVE 10; Limb-girdle muscular dystrophy, type 2J. Identifiers: Orphanet 140922, MedGen C1837342, MONDO:0012127, OMIM 608807.
Cardiovascular phenotype. Identifiers: MedGen CN230736.

Allele frequency attached by ClinVar (database versions not stated): gnomAD 0.00001; gnomAD exomes 0.00001 and 0.00006; ExAC 0.00003; 1000 Genomes Project 30x 0.00016; 1000 Genomes Project 0.00020.
gnomAD v4.1: 22 of 1,613,616 alleles (0.0014%); highest among the groups gnomAD compares: South Asian, 0.02%; no homozygotes.

Submissions (3):

Labcorp Genetics (formerly Invitae), Labcorp
Classification: Likely benign for Dilated cardiomyopathy 1G; Autosomal recessive limb-girdle muscular dystrophy type 2J. Last evaluated: 2026-01-06. Review status: criteria provided, single submitter. Criteria: Invitae Variant Classification Sherloc (09022015). Collection method: clinical testing. Allele origin: germline.

Ambry Genetics
Classification: Likely benign for Cardiovascular phenotype. Last evaluated: 2019-06-16. Review status: criteria provided, single submitter. Criteria: Ambry Variant Classification Scheme 2023. Collection method: clinical testing. Allele origin: germline.

PreventionGenetics, part of Exact Sciences
Classification: Likely benign for TTN-related condition. Last evaluated: 2021-05-05. Review status: no assertion criteria provided. Collection method: clinical testing. Allele origin: germline. Not counted in ClinVar's aggregate classification.
Comment: This variant is classified as likely benign based on ACMG/AMP sequence variant interpretation guidelines (Richards et al. 2015 PMID: 25741868, with internal and published modifications).

NM_001267550.2(TTN):c.86046G>A (p.Pro28682=)

Genes: TTN (titin; minus strand), TTN-AS1 (TTN antisense RNA 1; plus strand). Cytogenetic location: 2q31.2.
Variant type: single nucleotide variant.
Coding change: c.86046G>A on transcript NM_001267550.2 (MANE Select); coding-DNA position 86046, G replaced by A.
Protein change: p.Pro28682=; no amino-acid change (proline 28682 retained).
Molecular consequence: synonymous variant.
Genome position (GRCh38, 1-based): chr2:178,560,086, C>T on the plus strand (G>A on the coding strand, the complement: TTN is on the minus strand). VCF-style: chr2-178560086-C-T. GRCh37 (hg19) VCF-style: chr2-179424813-C-T.
Other names: c.81123G>A, p.Pro27041= (NM_001256850.1); c.58851G>A, p.Pro19617= (NM_003319.4); c.78342G>A, p.Pro26114= (NM_133378.4); c.59226G>A, p.Pro19742= (NM_133432.3); c.59427G>A, p.Pro19809= (NM_133437.4).
Identifiers: ClinVar variation 1536552 (VCV001536552.12), dbSNP rs566982088, ClinGen allele CA1988558.
Genomic context (GRCh38, chr2:178,560,086, plus strand): 5'-AATGGAAGTTTTCCAGTCAGTGTCATCAGATTTTTTGTATTCTACAGTATATCCAGTTAT[C>T]GGGGCCCCACCATCAAACAGCGGCTTAACCCAGGCAATAGTTATAGTTGTCTTGCCTGAG-3'
Protein context (NP_001254479.2, residues 28672-28692): WVKPLFDGGA[Pro28682=]ITGYTVEYKK